The following is an entry in ClinVar:

ClinVar aggregate classification (germline): Likely pathogenic (1 of 4 stars; one submission).

Conditions:
Finnish congenital nephrotic syndrome (NPHS1). Also called: NEPHROTIC SYNDROME, TYPE 1. Identifiers: Orphanet 839, MedGen C0403399, MONDO:0009732, OMIM 256300.

Submission:

Myriad Genetics, Inc.
Classification: Likely pathogenic for Finnish congenital nephrotic syndrome. Last evaluated: 2022-03-31. Review status: criteria provided, single submitter. Criteria: Myriad Women's Health Autosomal Recessive and X-Linked Classification Criteria (2021). Collection method: clinical testing. Allele origin: unknown.
Comment: NM_004646.3(NPHS1):c.508delG(D170Tfs*6) is expected to be pathogenic in the context of nephrotic syndrome, NPHS1-related. This variant is predicted to lead to an abnormal or absent protein product due to the creation of a premature termination codon in NPHS1, a gene where loss-of-function variants are known to be pathogenic. Please note: this variant was assessed in the context of healthy population screening.

NM_004646.4(NPHS1):c.508del (p.Asp170fs)

Gene: NPHS1 (NPHS1 adhesion molecule, nephrin; minus strand). Cytogenetic location: 19q13.12.
Variant type: Deletion.
Coding change: c.508del on transcript NM_004646.4 (MANE Select); coding-DNA position 508, one base deleted (G; older notation c.508delG).
Protein change: p.Asp170fs; shifts the reading frame from aspartic acid 170.
Molecular consequence: frameshift variant.
Genome position (GRCh38, 1-based): chr19:35,850,979, C deleted on the plus strand (G on the coding strand, the reverse complement: NPHS1 is on the minus strand). VCF-style (leftmost placement, unchanged base first): chr19-35850978-TC-T. GRCh37 (hg19) VCF-style: chr19-36341880-TC-T.
Other names: short protein forms D170fs.
Identifiers: ClinVar variation 1725747 (VCV001725747.2), dbSNP rs2513783774, ClinGen allele CA2580096895.
Genomic context (GRCh38, chr19:35,850,978, plus strand): 5'-AGGCTTCATGCTGCCCCCTGCCACCCAGTTCACCCACACTCACTCAGGAGAATGGTGATG[TC>T]AGGTGCTGGCTTCGCGTCCCCAGACACACAGTTGACCACGTACTCCTGCCCAGCTACCCA-3'